The following is an entry in ClinVar:

NM_001130987.2(DYSF):c.2461C>T (p.Arg821Cys)

Gene: DYSF (dysferlin; plus strand). Cytogenetic location: 2p13.2.
Variant type: single nucleotide variant.
Coding change: c.2461C>T on transcript NM_001130987.2 (MANE Select); coding-DNA position 2461, C replaced by T.
Protein change: p.Arg821Cys; replaces arginine 821 with cysteine.
Molecular consequence: missense variant.
Genome position (GRCh38, 1-based): chr2:71,564,109, C>T. VCF-style: chr2-71564109-C-T. GRCh37 (hg19) VCF-style: chr2-71791239-C-T.
Other names: c.2410C>T, p.Arg804Cys (NM_001130455.2, NM_001130983.2); c.2365C>T, p.Arg789Cys (NM_001130976.2, NM_001130977.2); c.2407C>T, p.Arg803Cys (NM_001130978.2, NM_003494.4); c.2500C>T, p.Arg834Cys (NM_001130979.2); c.2458C>T, p.Arg820Cys (NM_001130980.2, NM_001130981.2); c.2503C>T, p.Arg835Cys (NM_001130982.2); c.2368C>T, p.Arg790Cys (NM_001130984.2, NM_001130986.2); c.2461C>T, p.Arg821Cys (NM_001130985.2); and 1 more; short protein forms R790C, R834C, R803C, R789C, R804C, R820C, R821C, R835C.
Identifiers: ClinVar variation 1035832 (VCV001035832.5), dbSNP rs754179180, ClinGen allele CA1706180.

ClinVar aggregate classification (germline): Uncertain significance. Review status: criteria provided, multiple submitters, no conflicts (2 of 4 stars). 4 submissions from 4 submitters: Uncertain significance (3). 1 of the submissions does not count toward it. Last evaluated 2025-08-04.

Conditions:
Autosomal recessive limb-girdle muscular dystrophy. Identifiers: Orphanet 102015, MedGen C2931907, MONDO:0015152.
Autosomal recessive limb-girdle muscular dystrophy type 2B (LGMDR2). Also called: MUSCULAR DYSTROPHY, LIMB-GIRDLE, TYPE 3; MUSCULAR DYSTROPHY, LIMB-GIRDLE, AUTOSOMAL RECESSIVE 2; Limb-Girdle Muscular Dystrophy Type 2B (LGMD2B); Limb-girdle muscular dystrophy, type 2B. Identifiers: Orphanet 268, MedGen C1850889, MONDO:0009676, OMIM 253601.
Neuromuscular disease caused by qualitative or quantitative defects of dysferlin. Also called: Qualitative or quantitative defects of dysferlin; Dysferlinopathy. Identifiers: Orphanet 207073, MedGen C2931687, MONDO:0016145.

Allele frequency attached by ClinVar (database versions not stated): gnomAD 0.00001; TOPMed 0.00002; gnomAD exomes 0.00003; ExAC 0.00004.
gnomAD v4.1: 12 of 1,614,160 alleles (0.00074%); highest among the groups gnomAD compares: Admixed American, 0.013%; no homozygotes.

Submissions (4):

Myriad Genetics, Inc.
Classification: Uncertain significance for Autosomal recessive limb-girdle muscular dystrophy. Last evaluated: 2025-08-04. Review status: criteria provided, single submitter. Criteria: Myriad Autosomal Dominant, Autosomal Recessive and X-Linked Classification Criteria (2023). Collection method: clinical testing. Allele origin: unknown.
Comment: NM_003494.3(DYSF):c.2407C>T(R803C) is a missense variant classified as a variant of uncertain significance in the context of dysferlinopathy. R803C has been observed in a case with relevant disease (PMID: 39678382). Relevant functional assessments of this variant are not available in the literature. R803C has been observed in referenced population frequency databases. In summary, there is insufficient evidence to classify NM_003494.3(DYSF):c.2407C>T(R803C) as pathogenic or benign. Please note: this variant was assessed in the context of healthy population screening.

GeneDx
Classification: Uncertain significance. Last evaluated: 2024-09-08. Review status: criteria provided, single submitter. Criteria: GeneDx Variant Classification Process June 2021. Collection method: clinical testing. Allele origin: germline. Affected: yes.
Comment: In silico analysis supports that this missense variant has a deleterious effect on protein structure/function; Has not been previously published as pathogenic or benign to our knowledge; This variant is associated with the following publications: (PMID: 24438169)

Labcorp Genetics (formerly Invitae), Labcorp
Classification: Uncertain significance for Neuromuscular disease caused by qualitative or quantitative defects of dysferlin. Last evaluated: 2022-08-21. Review status: criteria provided, single submitter. Criteria: Invitae Variant Classification Sherloc (09022015). Collection method: clinical testing. Allele origin: germline.
Comment: This sequence change replaces arginine, which is basic and polar, with cysteine, which is neutral and slightly polar, at codon 803 of the DYSF protein (p.Arg803Cys). This variant is present in population databases (rs754179180, gnomAD 0.02%). This variant has not been reported in the literature in individuals affected with DYSF-related conditions. ClinVar contains an entry for this variant (Variation ID: 1035832). Advanced modeling of protein sequence and biophysical properties (such as structural, functional, and spatial information, amino acid conservation, physicochemical variation, residue mobility, and thermodynamic stability) performed at Invitae indicates that this missense variant is expected to disrupt DYSF protein function. Algorithms developed to predict the effect of sequence changes on RNA splicing suggest that this variant may create or strengthen a splice site. In summary, the available evidence is currently insufficient to determine the role of this variant in disease. Therefore, it has been classified as a Variant of Uncertain Significance.

Natera, Inc.
Classification: Uncertain significance for Limb-girdle muscular dystrophy type 2B. Last evaluated: 2020-08-26. Review status: no assertion criteria provided. Collection method: clinical testing. Allele origin: germline. Not counted in ClinVar's aggregate classification.

Literature cited by the submitters: PubMed 39678382 (cited by Myriad Genetics, Inc.).